The following is an entry in ClinVar:

ClinVar aggregate classification (germline): Uncertain significance (1 of 4 stars; one submission).

Allele frequency attached by ClinVar (database versions not stated): TOPMed below 0.00001; gnomAD exomes 0.00002.
gnomAD v4.1: 27 of 1,614,210 alleles (0.0017%); highest among the groups gnomAD compares: Non-Finnish European, 0.002%; no homozygotes.

Submission:

Labcorp Genetics (formerly Invitae), Labcorp
Classification: Uncertain significance. Last evaluated: 2022-08-22. Review status: criteria provided, single submitter. Criteria: Invitae Variant Classification Sherloc (09022015). Collection method: clinical testing. Allele origin: germline.
Comment: In summary, the available evidence is currently insufficient to determine the role of this variant in disease. Therefore, it has been classified as a Variant of Uncertain Significance. Algorithms developed to predict the effect of missense changes on protein structure and function are either unavailable or do not agree on the potential impact of this missense change (SIFT: "Deleterious"; PolyPhen-2: "Probably Damaging"; Align-GVGD: "Class C0"). This variant has not been reported in the literature in individuals affected with CLCN6-related conditions. This variant is present in population databases (no rsID available, gnomAD 0.0009%). This sequence change replaces valine, which is neutral and non-polar, with methionine, which is neutral and non-polar, at codon 837 of the CLCN6 protein (p.Val837Met).

NM_001286.5(CLCN6):c.2509G>A (p.Val837Met)

Genes: CLCN6 (chloride voltage-gated channel 6; plus strand), LOC129929417 (ATAC-STARR-seq lymphoblastoid active region 178; plus strand). Cytogenetic location: 1p36.22.
Variant type: single nucleotide variant.
Coding change: c.2509G>A on transcript NM_001286.5 (MANE Select); coding-DNA position 2509, G replaced by A.
Protein change: p.Val837Met; replaces valine 837 with methionine.
Molecular consequence: missense variant. On other transcripts: non-coding transcript variant (1).
Genome position (GRCh38, 1-based): chr1:11,838,640, G>A. VCF-style: chr1-11838640-G-A. GRCh37 (hg19) VCF-style: chr1-11898697-G-A.
Other names: c.2443G>A, p.Val815Met (NM_001256959.2); short protein forms V837M, V815M.
Identifiers: ClinVar variation 1967927 (VCV001967927.5), dbSNP rs968167686, ClinGen allele CA18004880.